The following is an entry in ClinVar:

ClinVar aggregate classification (germline): Uncertain significance (1 of 4 stars; one submission).

gnomAD v4.1: 1 of 1,599,302 alleles (0.000063%); highest among the groups gnomAD compares: Non-Finnish European, 0.000085%; no homozygotes.

Submission:

Ambry Genetics
Classification: Uncertain significance. Last evaluated: 2025-01-20. Review status: criteria provided, single submitter. Criteria: Ambry Variant Classification Scheme 2023. Collection method: clinical testing. Allele origin: germline.
Comment: The p.S417R variant (also known as c.1251C>A), located in coding exon 13 of the SRP72 gene, results from a C to A substitution at nucleotide position 1251. The serine at codon 417 is replaced by arginine, an amino acid with dissimilar properties. This amino acid position is conserved. In addition, the in silico prediction for this alteration is inconclusive. Based on the available evidence, the clinical significance of this variant remains unclear.

NM_006947.4(SRP72):c.1251C>A (p.Ser417Arg)

Gene: SRP72 (signal recognition particle 72; plus strand). Cytogenetic location: 4q12.
Variant type: single nucleotide variant.
Coding change: c.1251C>A on transcript NM_006947.4 (MANE Select); coding-DNA position 1251, C replaced by A.
Protein change: p.Ser417Arg; replaces serine 417 with arginine.
Molecular consequence: missense variant. On other transcripts: non-coding transcript variant (1).
Genome position (GRCh38, 1-based): chr4:56,489,414, C>A. VCF-style: chr4-56489414-C-A. GRCh37 (hg19) VCF-style: chr4-57355580-C-A.
Other names: c.1068C>A, p.Ser356Arg (NM_001267722.2); short protein forms S356R, S417R.
Identifiers: ClinVar variation 3801454 (VCV003801454.1).